The following is an entry in ClinVar:

ClinVar aggregate classification (germline): Uncertain significance (1 of 4 stars; one submission).

gnomAD v4.1: 1 of 1,614,190 alleles (0.000062%); highest among the groups gnomAD compares: African/African-American, 0.0013%; no homozygotes.

Submission:

GeneDx
Classification: Uncertain significance. Last evaluated: 2025-07-09. Review status: criteria provided, single submitter. Criteria: GeneDx Variant Classification Process June 2021. Collection method: clinical testing. Allele origin: germline. Affected: yes.
Comment: Not observed at significant frequency in large population cohorts (gnomAD); In silico analysis suggests that this missense variant does not alter protein structure/function; Has not been previously published as pathogenic or benign to our knowledge

NM_006180.6(NTRK2):c.952T>A (p.Phe318Ile)

Gene: NTRK2 (neurotrophic receptor tyrosine kinase 2; plus strand). Cytogenetic location: 9q21.33.
Variant type: single nucleotide variant.
Coding change: c.952T>A on transcript NM_006180.6 (MANE Select); coding-DNA position 952, T replaced by A.
Protein change: p.Phe318Ile; replaces phenylalanine 318 with isoleucine.
Molecular consequence: missense variant.
Genome position (GRCh38, 1-based): chr9:84,727,752, T>A. VCF-style: chr9-84727752-T-A. GRCh37 (hg19) VCF-style: chr9-87342667-T-A.
Other names: c.952T>A, p.Phe318Ile (NM_001007097.3, NM_001018064.3, NM_001018065.2 and 16 more transcripts); c.913T>A, p.Phe305Ile (NM_001291937.2, NM_001369546.1); c.484T>A, p.Phe162Ile (NM_001369535.1, NM_001369536.1, NM_001369550.1 and 2 more transcripts); short protein forms F162I, F305I, F318I.
Identifiers: ClinVar variation 4685049 (VCV004685049.1).